The following is an entry in ClinVar:

ClinVar aggregate classification (germline): Uncertain significance (1 of 4 stars; one submission).

Conditions:
Retinoblastoma (RB1). Also called: RETINOBLASTOMA, SOMATIC. Identifiers: Orphanet 790, MedGen C0035335, MeSH D012175, MONDO:0008380, OMIM 180200, HP:0009919. Disease mechanism: loss of function. Inheritance: Both sporadic and heritable forms are tested..

gnomAD v4.1: 7 of 1,386,894 alleles (0.0005%); highest among the groups gnomAD compares: South Asian, 0.0013%; no homozygotes.

Submission:

Labcorp Genetics (formerly Invitae), Labcorp
Classification: Uncertain significance for Retinoblastoma. Last evaluated: 2025-11-26. Review status: criteria provided, single submitter. Criteria: Invitae Variant Classification Sherloc (09022015). Collection method: clinical testing. Allele origin: germline.
Comment: This variant occurs in a non-coding region of the RB1 gene. It does not change the encoded amino acid sequence of the RB1 protein. This variant is not present in population databases (gnomAD no frequency). This variant has not been reported in the literature in individuals affected with RB1-related conditions. ClinVar contains an entry for this variant (Variation ID: 3672987). In summary, the available evidence is currently insufficient to determine the role of this variant in disease. Therefore, it has been classified as a Variant of Uncertain Significance.

NM_000321.3(RB1):c.-129T>C

Gene: RB1 (RB transcriptional corepressor 1; plus strand). Cytogenetic location: 13q14.2.
Variant type: single nucleotide variant.
Coding change: c.-129T>C on transcript NM_000321.3 (MANE Select); 129 bases upstream of the start codon, T replaced by C.
Molecular consequence: 5 prime UTR variant.
Genome position (GRCh38, 1-based): chr13:48,303,784, T>C. VCF-style: chr13-48303784-T-C. GRCh37 (hg19) VCF-style: chr13-48877920-T-C.
Other names: c.-129T>C (NM_001407166.1, NM_001407167.1, NM_001407165.1).
Identifiers: ClinVar variation 3672987 (VCV003672987.2).